The following is an entry in ClinVar:

ClinVar aggregate classification (germline): Pathogenic (1 of 4 stars; one submission).

Submission:

GeneDx
Classification: Pathogenic. Last evaluated: 2018-11-25. Review status: criteria provided, single submitter. Criteria: GeneDx Variant Classification (06012015). Collection method: clinical testing. Allele origin: germline. Affected: yes.
Comment: The c.1501delT variant in the KDM5C gene has not been reported previously as a pathogenic variant nor as a benign variant, to our knowledge. The c.1501delT variant causes a frameshift starting with codon Tryptophan 501, changes this amino acid to a Glycine residue, and creates a premature Stop codon at position 48 of the new reading frame, denoted p.Trp501GlyfsX48. This variant is predicted to cause loss of normal protein function either through protein truncation or nonsense-mediated mRNA decay. The c.1501delT variant is not observed in large population cohorts (Lek et al., 2016). We interpret c.1501delT as a pathogenic variant.

NM_004187.5(KDM5C):c.1501del (p.Trp501fs)

Gene: KDM5C (lysine demethylase 5C; minus strand). Cytogenetic location: Xp11.22.
Variant type: Deletion.
Coding change: c.1501del on transcript NM_004187.5 (MANE Select); coding-DNA position 1501, one base deleted (T; older notation c.1501delT).
Protein change: p.Trp501fs; shifts the reading frame from tryptophan 501.
Molecular consequence: frameshift variant. On other transcripts: non-coding transcript variant (3).
Genome position (GRCh38, 1-based): chrX:53,210,758, A deleted on the plus strand (T on the coding strand, the reverse complement: KDM5C is on the minus strand). VCF-style (leftmost placement, unchanged base first): chrX-53210757-CA-C. GRCh37 (hg19) VCF-style: chrX-53239939-CA-C.
Other names: c.1300del, p.Trp434fs (NM_001146702.2); c.1498del, p.Trp500fs (NM_001282622.3, NM_001353979.2, NM_001353982.2); c.1501del, p.Trp501fs (NM_001353978.3, NM_001353981.2, NM_001353984.2); short protein forms W500fs, W501fs, W434fs.
Identifiers: ClinVar variation 817313 (VCV000817313.1), dbSNP rs1602211821, ClinGen allele CA915951076.
Genomic context (GRCh38, chrX:53,210,757, plus strand): 5'-TAACTCCAGTGATCCTCAATATGCCAGCAAAAGGCTGAGAAGACCATGCCCACGTAGAGC[CA>C]GGGCACCTTCATGCCAGAGATATCTGCATTGATGTGGCACAGTACAGACTGTTCCAACAC-3'